The following is an entry in ClinVar:

ClinVar aggregate classification (germline): Uncertain significance (1 of 4 stars; one submission).

Submission:

GeneDx
Classification: Uncertain significance. Last evaluated: 2023-05-10. Review status: criteria provided, single submitter. Criteria: GeneDx Variant Classification Process June 2021. Collection method: clinical testing. Allele origin: germline. Affected: yes.
Comment: Not observed at significant frequency in large population cohorts (gnomAD); In silico analysis supports that this missense variant does not alter protein structure/function; Has not been previously published as pathogenic or benign to our knowledge; This variant is associated with the following publications: (PMID: 20619386)

NM_005188.4(CBL):c.1931A>T (p.Asp644Val)

Gene: CBL (Cbl proto-oncogene; plus strand). Cytogenetic location: 11q23.3.
Variant type: single nucleotide variant.
Coding change: c.1931A>T on transcript NM_005188.4 (MANE Select); coding-DNA position 1931, A replaced by T.
Protein change: p.Asp644Val; replaces aspartic acid 644 with valine.
Molecular consequence: missense variant.
Genome position (GRCh38, 1-based): chr11:119,285,556, A>T. VCF-style: chr11-119285556-A-T. GRCh37 (hg19) VCF-style: chr11-119156266-A-T.
Other names: short protein forms D644V.
Identifiers: ClinVar variation 2663171 (VCV002663171.1), dbSNP rs2496953650, ClinGen allele CA382921025.
Genomic context (GRCh38, chr11:119,285,556, plus strand): 5'-TGCCCTCACAAATGGAGCCCAGACCAGATGTGCCTAGGCTCGGAAGCACGTTCAGTCTGG[A>T]TACCTCCATGGTGAGTCTTAATTTTGAAACTATCTAACCTGTTAAGAAATATGTGTGGGC-3'
Protein context (NP_005179.2, residues 634-654): VPRLGSTFSL[Asp644Val]TSMSMNSSPL